The following is an entry in ClinVar:

ClinVar aggregate classification (germline): Likely benign. Review status: criteria provided, multiple submitters, no conflicts (2 of 4 stars). 2 submissions from 2 submitters: Likely benign (2). Last evaluated 2025-02-19.

Allele frequency attached by ClinVar (database versions not stated): gnomAD exomes 0.00004; gnomAD 0.00009; TOPMed 0.00010; ExAC 0.00017; ESP Exome Variant Server 0.00019.
gnomAD v4.1: 49 of 1,208,291 alleles (0.0041%); highest among the groups gnomAD compares: East Asian, 0.033%; 1 homozygote.

Submissions (2):

Ambry Genetics
Classification: Likely benign. Last evaluated: 2025-02-19. Review status: criteria provided, single submitter. Criteria: Ambry Variant Classification Scheme 2023. Collection method: clinical testing. Allele origin: germline.

CeGaT Center for Human Genetics Tuebingen
Classification: Likely benign. Last evaluated: 2022-11-01. Review status: criteria provided, single submitter. Criteria: CeGaT Center For Human Genetics Tuebingen Variant Classification Criteria Version 2. Collection method: clinical testing. Allele origin: germline. Affected: yes. Observed: 1 variant allele.
Comment: RTL3: BP4, BS2

NM_152694.3(RTL3):c.1403C>T (p.Ala468Val)

Gene: RTL3 (retrotransposon Gag like 3; minus strand). Cytogenetic location: Xq21.1.
Variant type: single nucleotide variant.
Coding change: c.1403C>T on transcript NM_152694.3 (MANE Select); coding-DNA position 1403, C replaced by T.
Protein change: p.Ala468Val; replaces alanine 468 with valine.
Molecular consequence: missense variant.
Genome position (GRCh38, 1-based): chrX:78,657,018, G>A on the plus strand (C>T on the coding strand, the complement: RTL3 is on the minus strand). VCF-style: chrX-78657018-G-A. GRCh37 (hg19) VCF-style: chrX-77912515-G-A.
Other names: c.1403C>T (NM_152694.2); short protein forms A468V.
Identifiers: ClinVar variation 2660972 (VCV002660972.25), dbSNP rs368758594, ClinGen allele CA10460318.
Genomic context (GRCh38, chrX:78,657,018, plus strand): 5'-CGCATATTTGTAGATTGGCCCACGTGGGGTCCCCCTTACTGGCAGGCCTGGATGTTTCCC[G>A]CCTGCAGGGCCTGATGAGGCTTGACAGGGCAATCTCTGGCAAAATGACCAGGATAACCAC-3'
Protein context (NP_689907.1, residues 458-475): CPVKPHQALQ[Ala468Val]GNIQACQ